The following is an entry in ClinVar:

ClinVar aggregate classification (germline): Uncertain significance (1 of 4 stars; one submission).

Conditions:
Hereditary sensory and autonomic neuropathy type 7. Also called: HSAN VII; Neuropathy, hereditary sensory and autonomic, type VII. Identifiers: Orphanet 391397, MedGen C3809882, MONDO:0014244, OMIM 615548.
Familial episodic pain syndrome with predominantly lower limb involvement. Also called: Episodic pain syndrome, familial, 3. Identifiers: Orphanet 391384, Orphanet 391392, MedGen C3809899, MONDO:0014247, OMIM 615552.

gnomAD v4.1: 4 of 1,606,508 alleles (0.00025%); highest among the groups gnomAD compares: African/African-American, 0.0013%; no homozygotes.

Submission:

Labcorp Genetics (formerly Invitae), Labcorp
Classification: Uncertain significance for Familial episodic pain syndrome with predominantly lower limb involvement; Hereditary sensory and autonomic neuropathy type 7. Last evaluated: 2024-10-28. Review status: criteria provided, single submitter. Criteria: Invitae Variant Classification Sherloc (09022015). Collection method: clinical testing. Allele origin: germline.
Comment: This sequence change replaces valine, which is neutral and non-polar, with leucine, which is neutral and non-polar, at codon 556 of the SCN11A protein (p.Val556Leu). This variant is not present in population databases (gnomAD no frequency). This variant has not been reported in the literature in individuals affected with SCN11A-related conditions. ClinVar contains an entry for this variant (Variation ID: 1036913). Invitae Evidence Modeling of protein sequence and biophysical properties (such as structural, functional, and spatial information, amino acid conservation, physicochemical variation, residue mobility, and thermodynamic stability) indicates that this missense variant is not expected to disrupt SCN11A protein function with a negative predictive value of 80%. In summary, the available evidence is currently insufficient to determine the role of this variant in disease. Therefore, it has been classified as a Variant of Uncertain Significance.

NM_001349253.2(SCN11A):c.1666G>C (p.Val556Leu)

Gene: SCN11A (sodium voltage-gated channel alpha subunit 11; minus strand). Cytogenetic location: 3p22.2.
Variant type: single nucleotide variant.
Coding change: c.1666G>C on transcript NM_001349253.2 (MANE Select); coding-DNA position 1666, G replaced by C.
Protein change: p.Val556Leu; replaces valine 556 with leucine.
Molecular consequence: missense variant.
Genome position (GRCh38, 1-based): chr3:38,904,041, C>G on the plus strand (G>C on the coding strand, the complement: SCN11A is on the minus strand). VCF-style: chr3-38904041-C-G. GRCh37 (hg19) VCF-style: chr3-38945532-C-G.
Other names: c.1666G>C, p.Val556Leu (NM_014139.3); short protein forms V556L.
Identifiers: ClinVar variation 1036913 (VCV001036913.5), dbSNP rs200175925, ClinGen allele CA72961729.